The following is an entry in ClinVar:

NM_000264.5(PTCH1):c.3712C>T (p.Leu1238Phe)

Gene: PTCH1 (patched 1; minus strand). Cytogenetic location: 9q22.32.
Variant type: single nucleotide variant.
Coding change: c.3712C>T on transcript NM_000264.5 (MANE Select); coding-DNA position 3712, C replaced by T.
Protein change: p.Leu1238Phe; replaces leucine 1238 with phenylalanine.
Molecular consequence: missense variant. On other transcripts: non-coding transcript variant (1).
Genome position (GRCh38, 1-based): chr9:95,449,161, G>A on the plus strand (C>T on the coding strand, the complement: PTCH1 is on the minus strand). VCF-style: chr9-95449161-G-A. GRCh37 (hg19) VCF-style: chr9-98211443-G-A.
Other names: c.3259C>T, p.Leu1087Phe (NM_001083607.3, NM_001083604.3, NM_001083605.3 and 1 more transcripts); c.3556C>T, p.Leu1186Phe (NM_001354918.2); c.3514C>T, p.Leu1172Phe (NM_001083602.3); c.3709C>T, p.Leu1237Phe (NM_001083603.3); short protein forms L1087F, L1172F, L1186F, L1237F, L1238F.
Identifiers: ClinVar variation 2678086 (VCV002678086.4), dbSNP rs2136598717, ClinGen allele CA374111086.

ClinVar aggregate classification (germline): Uncertain significance. Review status: criteria provided, multiple submitters, no conflicts (2 of 4 stars). 3 submissions from 3 submitters: Uncertain significance (3). Last evaluated 2025-11-17.

Conditions:
Gorlin syndrome. Also called: Nevoid Basal Cell Carcinoma Syndrome; Basal cell nevus syndrome. Identifiers: Orphanet 377, MedGen C0004779, MONDO:0007187.
Hereditary cancer-predisposing syndrome. Also called: Tumor predisposition; Hereditary neoplastic syndrome; Neoplastic Syndromes, Hereditary; Hereditary Cancer Syndrome. Identifiers: Orphanet 140162, MedGen C0027672, MeSH D009386, MONDO:0015356.
Basal cell carcinoma, susceptibility to, 1. Also called: BCC1. Identifiers: MedGen C2751544, MONDO:0011556, OMIM 605462.

gnomAD v4.1: 1 of 1,613,520 alleles (0.000062%); no homozygotes.

Submissions (3):

Ambry Genetics
Classification: Uncertain significance for Hereditary cancer-predisposing syndrome. Last evaluated: 2025-11-17. Review status: criteria provided, single submitter. Criteria: Ambry Variant Classification Scheme 2023. Collection method: clinical testing. Allele origin: germline.
Comment: The p.L1238F variant (also known as c.3712C>T), located in coding exon 22 of the PTCH1 gene, results from a C to T substitution at nucleotide position 3712. The leucine at codon 1238 is replaced by phenylalanine, an amino acid with highly similar properties. This amino acid position is conserved. In addition, the in silico prediction for this alteration is inconclusive. Based on the available evidence, the clinical significance of this variant remains unclear.

Labcorp Genetics (formerly Invitae), Labcorp
Classification: Uncertain significance for Gorlin syndrome. Last evaluated: 2025-09-23. Review status: criteria provided, single submitter. Criteria: Invitae Variant Classification Sherloc (09022015). Collection method: clinical testing. Allele origin: germline.
Comment: This sequence change replaces leucine, which is neutral and non-polar, with phenylalanine, which is neutral and non-polar, at codon 1238 of the PTCH1 protein (p.Leu1238Phe). This variant is not present in population databases (gnomAD no frequency). This variant has not been reported in the literature in individuals affected with PTCH1-related conditions. ClinVar contains an entry for this variant (Variation ID: 2678086). Invitae Evidence Modeling of protein sequence and biophysical properties (such as structural, functional, and spatial information, amino acid conservation, physicochemical variation, residue mobility, and thermodynamic stability) indicates that this missense variant is not expected to disrupt PTCH1 protein function with a negative predictive value of 95%. In summary, the available evidence is currently insufficient to determine the role of this variant in disease. Therefore, it has been classified as a Variant of Uncertain Significance.

Baylor Genetics
Classification: Uncertain significance for Basal cell carcinoma, susceptibility to, 1. Last evaluated: 2023-06-23. Review status: criteria provided, single submitter. Criteria: ACMG Guidelines, 2015. Collection method: clinical testing. Allele origin: unknown.